The following is an entry in ClinVar:

ClinVar aggregate classification (germline): Conflicting classifications of pathogenicity. Review status: criteria provided, conflicting classifications (1 of 4 stars). 2 submissions from 2 submitters: Uncertain significance (1); Benign (1). Last evaluated 2024-03-28.

Conditions:
Familial adenomatous polyposis 1 (FAP1). Also called: POLYPOSIS, ADENOMATOUS INTESTINAL; FAMILIAL ADENOMATOUS POLYPOSIS 1, ATTENUATED. Identifiers: MedGen C2713442, MONDO:0021056, OMIM 175100. Disease mechanism: loss of function.
Classic or attenuated familial adenomatous polyposis. Identifiers: MedGen CN372698, MONDO:0021057.

gnomAD v4.1: 2 of 1,614,116 alleles (0.00012%); highest among the groups gnomAD compares: Non-Finnish European, 0.00017%; no homozygotes.

Submissions (2):

Myriad Genetics, Inc.
Classification: Benign for Familial adenomatous polyposis 1. Last evaluated: 2024-03-28. Review status: criteria provided, single submitter. Criteria: Myriad Autosomal Dominant, Autosomal Recessive and X-Linked Classification Criteria (2023). Collection method: clinical testing. Allele origin: unknown.
Comment: This variant is considered benign. This variant is a silent/synonymous amino acid change and it is not expected to impact splicing.

All of Us Research Program, National Institutes of Health
Classification: Uncertain significance for Classic or attenuated familial adenomatous polyposis. Last evaluated: 2023-08-15. Review status: criteria provided, single submitter. Criteria: ACMG Guidelines, 2015. Collection method: clinical testing. Allele origin: germline. Inheritance: Autosomal dominant inheritance. Observed: 1 variant allele, 1 heterozygote.
Comment: This variant is located in the APC protein. To our knowledge, functional studies have not been reported for this variant. This variant has not been reported in individuals affected with APC-related disorders in the literature. This variant has been identified in 1/250026 chromosomes in the general population by the Genome Aggregation Database (gnomAD). The available evidence is insufficient to determine the role of this variant in disease conclusively. Therefore, this variant is classified as a Variant of Uncertain Significance.

This study involves interpretation of variants in research participants for the purpose of population health screening. Participant phenotype was not available at the time of variant classification. Additional details can be found in publication PMID: 35346344, PMCID: PMC8962531

NM_000038.6(APC):c.5133T>A (p.Pro1711=)

Gene: APC (APC regulator of Wnt signaling pathway; plus strand). Cytogenetic location: 5q22.2.
Variant type: single nucleotide variant.
Coding change: c.5133T>A on transcript NM_000038.6 (MANE Select); coding-DNA position 5133, T replaced by A.
Protein change: p.Pro1711=; no amino-acid change (proline 1711 retained).
Molecular consequence: synonymous variant. On other transcripts: non-coding transcript variant (2).
Genome position (GRCh38, 1-based): chr5:112,840,727, T>A. VCF-style: chr5-112840727-T-A. GRCh37 (hg19) VCF-style: chr5-112176424-T-A.
Other names: c.5133T>A, p.Pro1711= (NM_001127510.3, NM_001354895.2, NM_001407450.1); c.5079T>A, p.Pro1693= (NM_001127511.3); c.5187T>A, p.Pro1729= (NM_001354896.2, NM_001407447.1, NM_001407448.1 and 1 more transcripts); c.5163T>A, p.Pro1721= (NM_001354897.2); c.5058T>A, p.Pro1686= (NM_001354898.2); c.5049T>A, p.Pro1683= (NM_001354899.2); c.5010T>A, p.Pro1670= (NM_001354900.2); c.4956T>A, p.Pro1652= (NM_001354901.2, NM_001407453.1); and 11 more.
Identifiers: ClinVar variation 3072763 (VCV003072763.2), dbSNP rs764152659, ClinGen allele CA446209602.